The following is an entry in ClinVar:

NM_199420.4(POLQ):c.4888A>G (p.Ile1630Val)

Gene: POLQ (DNA polymerase theta; minus strand). Cytogenetic location: 3q13.33.
Variant type: single nucleotide variant.
Coding change: c.4888A>G on transcript NM_199420.4 (MANE Select); coding-DNA position 4888, A replaced by G.
Protein change: p.Ile1630Val; replaces isoleucine 1630 with valine.
Molecular consequence: missense variant.
Genome position (GRCh38, 1-based): chr3:121,488,043, T>C on the plus strand (A>G on the coding strand, the complement: POLQ is on the minus strand). VCF-style: chr3-121488043-T-C. GRCh37 (hg19) VCF-style: chr3-121206890-T-C.
Other names: short protein forms I1630V.
Identifiers: ClinVar variation 2625807 (VCV002625807.2), dbSNP rs768713333, ClinGen allele CA2562829.

ClinVar aggregate classification (germline): Uncertain significance (1 of 4 stars; one submission).

Allele frequency attached by ClinVar (database versions not stated): ExAC 0.00001.
gnomAD v4.1: 3 of 1,614,000 alleles (0.00019%); highest among the groups gnomAD compares: East Asian, 0.0067%; no homozygotes.

Submission:

Ambry Genetics
Classification: Uncertain significance. Last evaluated: 2023-06-22. Review status: criteria provided, single submitter. Criteria: Ambry Variant Classification Scheme 2023. Collection method: clinical testing. Allele origin: germline.
Comment: The p.I1630V variant (also known as c.4888A>G), located in coding exon 16 of the POLQ gene, results from an A to G substitution at nucleotide position 4888. The isoleucine at codon 1630 is replaced by valine, an amino acid with highly similar properties. This amino acid position is conserved. In addition, this alteration is predicted to be tolerated by in silico analysis. Since supporting evidence is limited at this time, the clinical significance of this alteration remains unclear.